The following is an entry in ClinVar:

NM_001369.3(DNAH5):c.11895_11901del (p.Asn3965fs)

Gene: DNAH5 (dynein axonemal heavy chain 5; minus strand). Cytogenetic location: 5p15.2.
Variant type: Deletion.
Coding change: c.11895_11901del on transcript NM_001369.3 (MANE Select); coding-DNA positions 11895 to 11901, 7 bases deleted (TGAGAAA; older notation c.11895_11901delTGAGAAA).
Protein change: p.Asn3965fs; shifts the reading frame from asparagine 3965.
Molecular consequence: frameshift variant.
Genome position (GRCh38, 1-based): chr5:13,727,639-13,727,645, TTTCTCA deleted on the plus strand (TGAGAAA on the coding strand, the reverse complement: DNAH5 is on the minus strand); deleting any 7 consecutive bases within chr5:13,727,639-13,727,651 gives the same sequence; the c. name uses the placement nearest the transcript's 3' end. VCF-style (leftmost placement, unchanged base first): chr5-13727638-TTTTCTCA-T. GRCh37 (hg19) VCF-style: chr5-13727747-TTTTCTCA-T.
Other names: short protein forms N3965fs.
Identifiers: ClinVar variation 933628 (VCV000933628.8), dbSNP rs1745933925, ClinGen allele CA1139658748.

ClinVar aggregate classification (germline): Pathogenic (1 of 4 stars; one submission).

Conditions:
Primary ciliary dyskinesia. Also called: Ciliary dyskinesia. Identifiers: Orphanet 244, MedGen C0008780, MONDO:0016575, HP:0012265.

Submission:

Labcorp Genetics (formerly Invitae), Labcorp
Classification: Pathogenic for Primary ciliary dyskinesia. Last evaluated: 2021-12-10. Review status: criteria provided, single submitter. Criteria: Invitae Variant Classification Sherloc (09022015). Collection method: clinical testing. Allele origin: germline.
Comment: This sequence change creates a premature translational stop signal (p.Asn3965Lysfs*64) in the DNAH5 gene. It is expected to result in an absent or disrupted protein product. Loss-of-function variants in DNAH5 are known to be pathogenic (PMID: 11788826, 16627867). This variant is not present in population databases (gnomAD no frequency). This variant has not been reported in the literature in individuals affected with DNAH5-related conditions. ClinVar contains an entry for this variant (Variation ID: 933628). For these reasons, this variant has been classified as Pathogenic.

Literature cited by the submitters: PubMed 11788826; PubMed 16627867.